The following is an entry in ClinVar:

ClinVar aggregate classification (germline): Uncertain significance (1 of 4 stars; one submission).

Conditions:
Inborn genetic diseases. Identifiers: MedGen C0950123, MeSH D030342.

Submission:

Ambry Genetics
Classification: Uncertain significance for Inborn genetic diseases. Last evaluated: 2025-01-02. Review status: criteria provided, single submitter. Criteria: Ambry Variant Classification Scheme 2023. Collection method: clinical testing. Allele origin: germline.
Comment: The p.F362L variant (also known as c.1084T>C), located in coding exon 1 of the SAMD9 gene, results from a T to C substitution at nucleotide position 1084. The phenylalanine at codon 362 is replaced by leucine, an amino acid with highly similar properties. This amino acid position is conserved. In addition, this alteration is predicted to be tolerated by in silico analysis. Based on the available evidence, the clinical significance of this variant remains unclear.

NM_017654.4(SAMD9):c.1084T>C (p.Phe362Leu)

Gene: SAMD9 (sterile alpha motif domain containing 9; minus strand). Cytogenetic location: 7q21.2.
Variant type: single nucleotide variant.
Coding change: c.1084T>C on transcript NM_017654.4 (MANE Select); coding-DNA position 1084, T replaced by C.
Protein change: p.Phe362Leu; replaces phenylalanine 362 with leucine.
Molecular consequence: missense variant.
Genome position (GRCh38, 1-based): chr7:93,105,014, A>G on the plus strand (T>C on the coding strand, the complement: SAMD9 is on the minus strand). VCF-style: chr7-93105014-A-G. GRCh37 (hg19) VCF-style: chr7-92734327-A-G.
Other names: c.1084T>C, p.Phe362Leu (NM_001193307.2); short protein forms F362L.
Identifiers: ClinVar variation 3791965 (VCV003791965.1).